The following is an entry in ClinVar:

NM_000844.4(GRM7):c.561T>C (p.Ser187=)

Gene: GRM7 (glutamate metabotropic receptor 7; plus strand). Cytogenetic location: 3p26.1.
Variant type: single nucleotide variant.
Coding change: c.561T>C on transcript NM_000844.4 (MANE Select); coding-DNA position 561, T replaced by C.
Protein change: p.Ser187=; no amino-acid change (serine 187 retained).
Molecular consequence: synonymous variant.
Genome position (GRCh38, 1-based): chr3:7,146,493, T>C. VCF-style: chr3-7146493-T-C. GRCh37 (hg19) VCF-style: chr3-7188180-T-C.
Other names: c.561T>C, p.Ser187= (NM_181874.3).
Identifiers: ClinVar variation 709766 (VCV000709766.40), dbSNP rs35106713, ClinGen allele CA2234627.

ClinVar aggregate classification (germline): Benign. Review status: criteria provided, multiple submitters, no conflicts (2 of 4 stars). 3 submissions from 3 submitters: Benign (3). Last evaluated 2026-09-01.

Allele frequency attached by ClinVar (database versions not stated): 1000 Genomes Project 30x 0.00437; 1000 Genomes Project 0.00479; TOPMed 0.00784; gnomAD 0.00841 and 0.00872; ExAC 0.00855; gnomAD exomes 0.00873 and 0.00972; ESP Exome Variant Server 0.00892.
gnomAD v4.1: 15,513 of 1,613,844 alleles (0.96%); highest among the groups gnomAD compares: Middle Eastern, 1.4%; 125 homozygotes.

Submissions (3):

CeGaT Center for Human Genetics Tuebingen
Classification: Benign. Last evaluated: 2026-09-01. Review status: criteria provided, single submitter. Criteria: CeGaT Center For Human Genetics Tuebingen Variant Classification Criteria Version 2. Collection method: clinical testing. Allele origin: germline. Affected: yes. Observed: 85 variant alleles.
Comment: GRM7: BP4, BP7, BS1, BS2

Labcorp Genetics (formerly Invitae), Labcorp
Classification: Benign. Last evaluated: 2026-01-20. Review status: criteria provided, single submitter. Criteria: Invitae Variant Classification Sherloc (09022015). Collection method: clinical testing. Allele origin: germline.

Breakthrough Genomics
Classification: Benign. Review status: criteria provided, single submitter. Criteria: ACMG Guidelines, 2015. Collection method: not provided. Allele origin: germline. Inheritance: Autosomal recessive inheritance. Affected: yes.